The following is an entry in ClinVar:

NM_178012.5(TUBB2B):c.69C>T (p.Val23=)

Gene: TUBB2B (tubulin beta 2B class IIb; minus strand). Cytogenetic location: 6p25.2.
Variant type: single nucleotide variant.
Coding change: c.69C>T on transcript NM_178012.5 (MANE Select); coding-DNA position 69, C replaced by T.
Protein change: p.Val23=; no amino-acid change (valine 23 retained).
Molecular consequence: synonymous variant.
Genome position (GRCh38, 1-based): chr6:3,226,658, G>A on the plus strand (C>T on the coding strand, the complement: TUBB2B is on the minus strand). VCF-style: chr6-3226658-G-A. GRCh37 (hg19) VCF-style: chr6-3226892-G-A.
Identifiers: ClinVar variation 2656185 (VCV002656185.24), dbSNP rs1390798998, ClinGen allele CA448444526.
Genomic context (GRCh38, chr6:3,226,658, plus strand): 5'-CTGCAAATCACTGTCTCCATGGTAACTGCCAGTGGGGTCAATCCCATGCTCATCACTGAT[G>A]ACCTCCCAAAACTGAGACAGAAAGGCTGCATTTAGCCATGAACGATGCCCCCAGAAACGC-3'
Protein context (NP_821080.1, residues 13-33): GNQIGAKFWE[Val23=]ISDEHGIDPT

ClinVar aggregate classification (germline): Likely benign (1 of 4 stars; one submission).

Allele frequency attached by ClinVar (database versions not stated): gnomAD exomes below 0.00001; gnomAD 0.00001; TOPMed 0.00001.
gnomAD v4.1: 5 of 1,613,890 alleles (0.00031%); highest among the groups gnomAD compares: Non-Finnish European, 0.00042%; no homozygotes.

Submission:

CeGaT Center for Human Genetics Tuebingen
Classification: Likely benign. Last evaluated: 2022-12-01. Review status: criteria provided, single submitter. Criteria: CeGaT Center For Human Genetics Tuebingen Variant Classification Criteria Version 2. Collection method: clinical testing. Allele origin: germline. Affected: yes. Observed: 1 variant allele.
Comment: TUBB2B: BP4, BP7